The following is an entry in ClinVar:

ClinVar aggregate classification (germline): Uncertain significance. Review status: criteria provided, multiple submitters, no conflicts (2 of 4 stars). 2 submissions from 2 submitters: Uncertain significance (2). Last evaluated 2021-08-24.

Allele frequency attached by ClinVar (database versions not stated): gnomAD exomes 0.00001 and 0.00003; gnomAD 0.00003; ExAC 0.00005.
gnomAD v4.1: 17 of 1,614,056 alleles (0.0011%); highest among the groups gnomAD compares: South Asian, 0.018%; no homozygotes.

Submissions (2):

Labcorp Genetics (formerly Invitae), Labcorp
Classification: Uncertain significance. Last evaluated: 2021-08-24. Review status: criteria provided, single submitter. Criteria: Invitae Variant Classification Sherloc (09022015). Collection method: clinical testing. Allele origin: germline.
Comment: This sequence change replaces isoleucine with threonine at codon 1525 of the PLXNA2 protein (p.Ile1525Thr). The isoleucine residue is highly conserved and there is a moderate physicochemical difference between isoleucine and threonine. This variant is present in population databases (rs774557845, ExAC 0.04%). This variant has not been reported in the literature in individuals affected with PLXNA2-related conditions. Algorithms developed to predict the effect of missense changes on protein structure and function (SIFT, PolyPhen-2, Align-GVGD) all suggest that this variant is likely to be disruptive. In summary, the available evidence is currently insufficient to determine the role of this variant in disease. Therefore, it has been classified as a Variant of Uncertain Significance.

Breakthrough Genomics
Classification: Uncertain significance. Review status: criteria provided, single submitter. Criteria: ACMG Guidelines, 2015. Collection method: not provided. Allele origin: germline. Inheritance: Unknown mechanism. Affected: yes.

NM_025179.4(PLXNA2):c.4574T>C (p.Ile1525Thr)

Gene: PLXNA2 (plexin A2; minus strand). Cytogenetic location: 1q32.2.
Variant type: single nucleotide variant.
Coding change: c.4574T>C on transcript NM_025179.4 (MANE Select); coding-DNA position 4574, T replaced by C.
Protein change: p.Ile1525Thr; replaces isoleucine 1525 with threonine.
Molecular consequence: missense variant.
Genome position (GRCh38, 1-based): chr1:208,038,911, A>G on the plus strand (T>C on the coding strand, the complement: PLXNA2 is on the minus strand). VCF-style: chr1-208038911-A-G. GRCh37 (hg19) VCF-style: chr1-208212256-A-G.
Other names: short protein forms I1525T.
Identifiers: ClinVar variation 1522452 (VCV001522452.6), dbSNP rs774557845, ClinGen allele CA1372839.